The following is an entry in ClinVar:

ClinVar aggregate classification (germline): Pathogenic (1 of 4 stars; one submission).

Conditions:
Alagille syndrome due to a JAG1 point mutation. Also called: JAG1-Related Alagille Syndrome; Alagille Syndrome 1; HEPATIC DUCTULAR HYPOPLASIA, SYNDROMATIC. Identifiers: Orphanet 261619, Orphanet 52, MedGen C1956125, MONDO:0016862, OMIM 118450.

Submission:

Diagnostics Services (NGS), CSIR - Centre For Cellular And Molecular Biology
Classification: Pathogenic for Alagille syndrome due to a JAG1 point mutation. Last evaluated: 2020-02-26. Review status: criteria provided, single submitter. Criteria: ACMG Guidelines, 2015. Collection method: clinical testing. Allele origin: unknown. Inheritance: Autosomal dominant inheritance. Affected: yes. Observed: 1 homozygote.
Comment: The c.1377_1378del variant is not present in publicly available databases like 1000 Genomes, Exome Variant Server (EVS), Exome Aggregation Consortium (ExAC), Genome Aggregation Database (gnomAD) and dbSNP. The variant is not present in our in-house exome database. The variant was not reported earlier to OMIM, ClinVar or HGMD databases. The variant causes a frameshift at 459th amino acid position that creates stop codon at 460th amino acid position. This may either cause nonsense mediated decay of the mRNA resulting no protein or a truncated protein due to premature stop codon. In-silico pathogenicity prediction programs MutationTaster2, CADD, Intervar etc. predicted this variant to be likely deleterious. The variant has been classified as pathogenic as per ACMG guidelines.

NM_000214.3(JAG1):c.1377_1378del (p.Gln459_Asn460insTer)

Gene: JAG1 (jagged canonical Notch ligand 1; minus strand). Cytogenetic location: 20p12.2.
Variant type: Deletion.
Coding change: c.1377_1378del on transcript NM_000214.3 (MANE Select); coding-DNA positions 1377 to 1378, 2 bases deleted (GA; older notation c.1377_1378delGA).
Protein change: p.Gln459_Asn460insTer.
Molecular consequence: frameshift variant.
Genome position (GRCh38, 1-based): chr20:10,649,078-10,649,079, TC deleted on the plus strand (GA on the coding strand, the reverse complement: JAG1 is on the minus strand); deleting any 2 consecutive bases within chr20:10,649,078-10,649,080 gives the same sequence; the c. name uses the placement nearest the transcript's 3' end. VCF-style (leftmost placement, unchanged base first): chr20-10649077-TTC-T. GRCh37 (hg19) VCF-style: chr20-10629725-TTC-T.
Identifiers: ClinVar variation 830218 (VCV000830218.5), dbSNP rs2067328461, ClinGen allele CA916083748.